The following is an entry in ClinVar:

ClinVar aggregate classification (germline): Uncertain significance (1 of 4 stars; one submission).

Conditions:
Hereditary cancer-predisposing syndrome. Also called: Neoplastic Syndromes, Hereditary; Tumor predisposition; Hereditary Cancer Syndrome; Hereditary neoplastic syndrome. Identifiers: Orphanet 140162, MedGen C0027672, MeSH D009386, MONDO:0015356.

Submission:

Ambry Genetics
Classification: Uncertain significance for Hereditary cancer-predisposing syndrome. Last evaluated: 2026-01-17. Review status: criteria provided, single submitter. Criteria: Ambry Variant Classification Scheme 2023. Collection method: clinical testing. Allele origin: germline.
Comment: The p.M73I variant (also known as c.219G>A), located in coding exon 2 of the SUFU gene, results from a G to A substitution at nucleotide position 219. The methionine at codon 73 is replaced by isoleucine, an amino acid with highly similar properties. This amino acid position is conserved. In addition, this alteration is predicted to be deleterious by in silico analysis. Based on the available evidence, the clinical significance of this variant remains unclear.

NM_016169.4(SUFU):c.219G>A (p.Met73Ile)

Gene: SUFU (SUFU negative regulator of hedgehog signaling; plus strand). Cytogenetic location: 10q24.32.
Variant type: single nucleotide variant.
Coding change: c.219G>A on transcript NM_016169.4 (MANE Select); coding-DNA position 219, G replaced by A.
Protein change: p.Met73Ile; replaces methionine 73 with isoleucine.
Molecular consequence: missense variant.
Genome position (GRCh38, 1-based): chr10:102,509,205, G>A. VCF-style: chr10-102509205-G-A. GRCh37 (hg19) VCF-style: chr10-104268962-G-A.
Other names: c.219G>A, p.Met73Ile (NM_001178133.2); short protein forms M73I.
Identifiers: ClinVar variation 4824954 (VCV004824954.1).